The following is an entry in ClinVar:

NM_016378.3(VCX2):c.309C>A (p.Pro103=)

Genes: VCX2 (variable charge X-linked 2; minus strand), LOC106029241 (S232-VCX2 recombination region; plus strand). Cytogenetic location: Xp22.31.
Variant type: single nucleotide variant.
Coding change: c.309C>A on transcript NM_016378.3 (MANE Select); coding-DNA position 309, C replaced by A.
Protein change: p.Pro103=; no amino-acid change (proline 103 retained).
Molecular consequence: synonymous variant.
Genome position (GRCh38, 1-based): chrX:8,170,143, G>T on the plus strand (C>A on the coding strand, the complement: VCX2 is on the minus strand). VCF-style: chrX-8170143-G-T. GRCh37 (hg19) VCF-style: chrX-8138184-G-T.
Identifiers: ClinVar variation 2659926 (VCV002659926.24), dbSNP rs778640992, ClinGen allele CA10343041.

ClinVar aggregate classification (germline): Likely benign (1 of 4 stars; one submission).

Allele frequency attached by ClinVar (database versions not stated): gnomAD 0.00036; 1000 Genomes Project 30x 0.00146.

Submission:

CeGaT Center for Human Genetics Tuebingen
Classification: Likely benign. Last evaluated: 2022-10-01. Review status: criteria provided, single submitter. Criteria: CeGaT Center For Human Genetics Tuebingen Variant Classification Criteria Version 2. Collection method: clinical testing. Allele origin: germline. Affected: yes. Observed: 2 variant alleles.
Comment: VCX2: BP4, BP7